The following is an entry in ClinVar:

NM_033118.4(MYLK2):c.191G>C (p.Gly64Ala)

Gene: MYLK2 (myosin light chain kinase 2; plus strand). Cytogenetic location: 20q11.21.
Variant type: single nucleotide variant.
Coding change: c.191G>C on transcript NM_033118.4 (MANE Select); coding-DNA position 191, G replaced by C.
Protein change: p.Gly64Ala; replaces glycine 64 with alanine.
Molecular consequence: missense variant.
Genome position (GRCh38, 1-based): chr20:31,820,264, G>C. VCF-style: chr20-31820264-G-C. GRCh37 (hg19) VCF-style: chr20-30408067-G-C.
Other names: short protein forms G64A.
Identifiers: ClinVar variation 429230 (VCV000429230.12), dbSNP rs141105787, ClinGen allele CA9802860.

ClinVar aggregate classification (germline): Uncertain significance. Review status: criteria provided, multiple submitters, no conflicts (2 of 4 stars). 3 submissions from 3 submitters: Uncertain significance (3). Last evaluated 2025-11-26.

Conditions:
Hypertrophic cardiomyopathy 1 (CMH1). Also called: Familial hypertrophic cardiomyopathy 1; MYH7-Related Familial Hypertrophic Cardiomyopathy. Identifiers: MedGen C3495498, MONDO:0008647, OMIM 192600.

Allele frequency attached by ClinVar (database versions not stated): gnomAD 0.00021 and 0.00017; ESP Exome Variant Server 0.00023; gnomAD exomes 0.00002 and 0.00004; ExAC 0.00007; TOPMed 0.00017.
gnomAD v4.1: 56 of 1,613,812 alleles (0.0035%); highest among the groups gnomAD compares: African/African-American, 0.072%; no homozygotes.

Submissions (3):

Labcorp Genetics (formerly Invitae), Labcorp
Classification: Uncertain significance for Hypertrophic cardiomyopathy 1. Last evaluated: 2025-11-26. Review status: criteria provided, single submitter. Criteria: Invitae Variant Classification Sherloc (09022015). Collection method: clinical testing. Allele origin: germline.
Comment: This sequence change replaces glycine, which is neutral and non-polar, with alanine, which is neutral and non-polar, at codon 64 of the MYLK2 protein (p.Gly64Ala). This variant is present in population databases (rs141105787, gnomAD 0.06%), and has an allele count higher than expected for a pathogenic variant. This variant has not been reported in the literature in individuals affected with MYLK2-related conditions. ClinVar contains an entry for this variant (Variation ID: 429230). Invitae Evidence Modeling of protein sequence and biophysical properties (such as structural, functional, and spatial information, amino acid conservation, physicochemical variation, residue mobility, and thermodynamic stability) indicates that this missense variant is not expected to disrupt MYLK2 protein function with a negative predictive value of 80%. In summary, the available evidence is currently insufficient to determine the role of this variant in disease. Therefore, it has been classified as a Variant of Uncertain Significance.

GeneDx
Classification: Uncertain significance. Last evaluated: 2021-07-14. Review status: criteria provided, single submitter. Criteria: GeneDx Variant Classification Process June 2021. Collection method: clinical testing. Allele origin: germline. Affected: yes.
Comment: Has not been previously published as pathogenic or benign to our knowledge; Reported in ClinVar as a variant of uncertain significance (ClinVar Variant ID# 429230; Landrum et al., 2016); In silico analysis supports that this missense variant does not alter protein structure/function; This variant is associated with the following publications: (PMID: 27535533)

Fulgent Genetics
Classification: Uncertain significance for Hypertrophic cardiomyopathy 1. Last evaluated: 2018-10-31. Review status: criteria provided, single submitter. Criteria: ACMG Guidelines, 2015. Collection method: clinical testing. Allele origin: unknown.